The following is an entry in ClinVar:

ClinVar aggregate classification (germline): Uncertain significance. Review status: criteria provided, multiple submitters, no conflicts (2 of 4 stars). 2 submissions from 2 submitters: Uncertain significance (2). Last evaluated 2025-12-22.

Allele frequency attached by ClinVar (database versions not stated): gnomAD exomes below 0.00001; gnomAD 0.00001; TOPMed 0.00001; ExAC 0.00002; ESP Exome Variant Server 0.00008.
gnomAD v4.1: 4 of 1,613,820 alleles (0.00025%); highest among the groups gnomAD compares: African/African-American, 0.0053%; no homozygotes.

Submissions (2):

Ambry Genetics
Classification: Uncertain significance. Last evaluated: 2025-12-22. Review status: criteria provided, single submitter. Criteria: Ambry Variant Classification Scheme 2023. Collection method: clinical testing. Allele origin: germline.

Labcorp Genetics (formerly Invitae), Labcorp
Classification: Uncertain significance. Last evaluated: 2024-09-18. Review status: criteria provided, single submitter. Criteria: Invitae Variant Classification Sherloc (09022015). Collection method: clinical testing. Allele origin: germline.
Comment: This sequence change replaces asparagine, which is neutral and polar, with tyrosine, which is neutral and polar, at codon 77 of the SPP2 protein (p.Asn77Tyr). This variant is present in population databases (rs371778962, gnomAD 0.01%). This variant has not been reported in the literature in individuals affected with SPP2-related conditions. ClinVar contains an entry for this variant (Variation ID: 1912811). An algorithm developed to predict the effect of missense changes on protein structure and function (PolyPhen-2) suggests that this variant is likely to be disruptive. In summary, the available evidence is currently insufficient to determine the role of this variant in disease. Therefore, it has been classified as a Variant of Uncertain Significance.

NM_006944.3(SPP2):c.229A>T (p.Asn77Tyr)

Gene: SPP2 (secreted phosphoprotein 2; plus strand). Cytogenetic location: 2q37.1.
Variant type: single nucleotide variant.
Coding change: c.229A>T on transcript NM_006944.3 (MANE Select); coding-DNA position 229, A replaced by T.
Protein change: p.Asn77Tyr; replaces asparagine 77 with tyrosine.
Molecular consequence: missense variant.
Genome position (GRCh38, 1-based): chr2:234,058,854, A>T. VCF-style: chr2-234058854-A-T. GRCh37 (hg19) VCF-style: chr2-234967498-A-T.
Other names: c.229A>T (NM_006944.2); short protein forms N77Y.
Identifiers: ClinVar variation 1912811 (VCV001912811.6), dbSNP rs371778962, ClinGen allele CA2183128.
Genomic context (GRCh38, chr2:234,058,854, plus strand): 5'-AGAAATGCATTGATCACACTCTGAAACTTTATTTTTGTGAAGGTTGAGGTCCTAGATGAG[A>T]ACAACTTGGTCATGAATTTAGAGTTCAGCATCCGGGAGACTACATGCAGGAAGGATTCTG-3'
Protein context (NP_008875.1, residues 67-87): SLKRVEVLDE[Asn77Tyr]NLVMNLEFSI